The following is an entry in ClinVar:

NM_000159.4(GCDH):c.772del (p.Ala258fs)

Gene: GCDH (glutaryl-CoA dehydrogenase; plus strand). Cytogenetic location: 19p13.13.
Variant type: Deletion.
Coding change: c.772del on transcript NM_000159.4 (MANE Select); coding-DNA position 772, one base deleted (G; older notation c.772delG).
Protein change: p.Ala258fs; shifts the reading frame from alanine 258.
Molecular consequence: frameshift variant. On other transcripts: non-coding transcript variant (2).
Genome position (GRCh38, 1-based): chr19:12,896,341, G deleted; the last of 3 consecutive G bases (chr19:12,896,339-12,896,341); deleting any one gives the same sequence. VCF-style (leftmost placement, unchanged base first): chr19-12896338-CG-C. GRCh37 (hg19) VCF-style: chr19-13007152-CG-C.
Other names: c.772del, p.Ala258fs (NM_013976.5); short protein forms A258fs.
Identifiers: ClinVar variation 5013440 (VCV005013440.1).

ClinVar aggregate classification (germline): Pathogenic (1 of 4 stars; one submission).

Conditions:
Glutaric aciduria, type 1. Also called: GA I; Glutaryl-CoA dehydrogenase deficiency; Glutaric acidemia type I; Glutaricacidemia Type 1; Glutaricaciduria, type I; Glutaric Acidemia Type 1. Identifiers: Orphanet 25, MedGen C0268595, MONDO:0009281, OMIM 231670.

Submission:

Myriad Genetics, Inc.
Classification: Pathogenic for Glutaric aciduria, type 1. Last evaluated: 2024-08-11. Review status: criteria provided, single submitter. Criteria: Myriad Autosomal Dominant, Autosomal Recessive and X-Linked Classification Criteria (2023). Collection method: clinical testing. Allele origin: unknown.
Comment: NM_000159.2(GCDH):c.772delG(A258Pfs*6) is expected to be pathogenic in the context of glutaric acidemia, GCDH-related. This variant is predicted to lead to an abnormal or absent protein product due to the creation of a premature termination codon in GCDH, a gene where loss-of-function variants are known to be pathogenic. Please note: this variant was assessed in the context of healthy population screening.